The following is an entry in ClinVar:

ClinVar aggregate classification (germline): Uncertain significance (1 of 4 stars; one submission).

Submission:

GeneDx
Classification: Uncertain significance. Last evaluated: 2026-04-03. Review status: criteria provided, single submitter. Criteria: GeneDx Variant Classification Process June 2021. Collection method: clinical testing. Allele origin: germline.
Comment: Not observed at significant frequency in large population cohorts (gnomAD); In silico analysis supports that this missense variant has a deleterious effect on protein structure/function; Has not been previously published as pathogenic or benign to our knowledge.

NM_012250.6(RRAS2):c.134C>T (p.Pro45Leu)

Gene: RRAS2 (RAS related 2; minus strand). Cytogenetic location: 11p15.2.
Variant type: single nucleotide variant.
Coding change: c.134C>T on transcript NM_012250.6 (MANE Select); coding-DNA position 134, C replaced by T.
Protein change: p.Pro45Leu; replaces proline 45 with leucine.
Molecular consequence: missense variant. On other transcripts: 5 prime UTR variant (9).
Genome position (GRCh38, 1-based): chr11:14,295,830, G>A on the plus strand (C>T on the coding strand, the complement: RRAS2 is on the minus strand). VCF-style: chr11-14295830-G-A. GRCh37 (hg19) VCF-style: chr11-14317376-G-A.
Other names: c.29C>T, p.Pro10Leu (NM_001177314.2); c.-98C>T (NM_001177315.2, NM_001440709.1, NM_001440710.1 and 6 more transcripts); c.134C>T, p.Pro45Leu (NM_001440708.1); short protein forms P10L, P45L.
Identifiers: ClinVar variation 5018196 (VCV005018196.1).
Genomic context (GRCh38, chr11:14,295,830, plus strand): 5'-TCTAGCCGGGCTGCTCTGTCATCTATCACACACTGCTTTGTGTAAGAATCTTCAATGGTT[G>A]GATCATAATCCGTTACAAAATAGGACTGCAAGAAAAGAAAAAACTTTATTTTAAAATTCA-3'
Protein context (NP_036382.2, residues 35-55): IQSYFVTDYD[Pro45Leu]TIEDSYTKQC